The following is an entry in ClinVar:

ClinVar aggregate classification (germline): Pathogenic (1 of 4 stars; one submission).

Conditions:
ACAN-related disorder. Also called: ACAN-related condition; ACAN-related disorders.

Submission:

Women's Health and Genetics/Laboratory Corporation of America, LabCorp
Classification: Pathogenic for ACAN-Related Disorders. Last evaluated: 2025-11-26. Review status: criteria provided, single submitter. Criteria: LabCorp Variant Classification Summary - May 2015. Collection method: clinical testing. Allele origin: germline.
Comment: Variant summary: ACAN c.2592delT (p.Asp865MetfsX80) results in a premature termination codon, predicted to cause a truncation of the encoded protein or absence of the protein due to nonsense mediated decay, which are commonly known mechanisms for disease. The variant was absent in 245408 control chromosomes. To our knowledge, no occurrence of c.2592delT in individuals affected with ACAN-related conditions and no experimental evidence demonstrating its impact on protein function have been reported. No submitters have cited clinical-significance assessments for this variant to ClinVar. Based on the evidence outlined above, the variant was classified as pathogenic.

NM_001369268.1(ACAN):c.2592del (p.Asp865fs)

Gene: ACAN (aggrecan; plus strand). Cytogenetic location: 15q26.1.
Variant type: Deletion.
Coding change: c.2592del on transcript NM_001369268.1 (MANE Select); coding-DNA position 2592, one base deleted (T; older notation c.2592delT).
Protein change: p.Asp865fs; shifts the reading frame from aspartic acid 865.
Molecular consequence: frameshift variant.
Genome position (GRCh38, 1-based): chr15:88,855,177, T deleted. VCF-style (leftmost placement, unchanged base first): chr15-88855176-CT-C. GRCh37 (hg19) VCF-style: chr15-89398407-CT-C.
Other names: c.2592delT (NM_001369268.1); c.2592del, p.Asp865fs (NM_001135.4, NM_001411096.1, NM_001411097.1 and 1 more transcripts); short protein forms D865fs.
Identifiers: ClinVar variation 4536890 (VCV004536890.1).